The following is an entry in ClinVar:

NM_000534.5(PMS1):c.500A>G (p.Asp167Gly)

Gene: PMS1 (PMS1 homolog 1, mismatch repair system component; plus strand). Cytogenetic location: 2q32.2.
Variant type: single nucleotide variant.
Coding change: c.500A>G on transcript NM_000534.5 (MANE Select); coding-DNA position 500, A replaced by G.
Protein change: p.Asp167Gly; replaces aspartic acid 167 with glycine.
Molecular consequence: missense variant. On other transcripts: 5 prime UTR variant (2), non-coding transcript variant (1).
Genome position (GRCh38, 1-based): chr2:189,818,098, A>G. VCF-style: chr2-189818098-A-G. GRCh37 (hg19) VCF-style: chr2-190682824-A-G.
Other names: NC_000002.11:g.190682824A>G; c.500A>G, p.Asp167Gly (NM_001128143.2, NM_001128144.2, NM_001321044.2 and 3 more transcripts); c.-29A>G (NM_001289408.2, NM_001289409.2); c.317A>G, p.Asp106Gly (NM_001321046.2); short protein forms D106G, D167G.
Identifiers: ClinVar variation 1049777 (VCV001049777.2), dbSNP rs200244068, ClinGen allele CA2026442.

ClinVar aggregate classification (germline): Uncertain significance (0 of 4 stars; one submission).

Allele frequency attached by ClinVar (database versions not stated): TOPMed 0.00005; 1000 Genomes Project 30x 0.00016; gnomAD exomes 0.00019 and 0.00048; 1000 Genomes Project 0.00020; gnomAD 0.00033 and 0.00034; ExAC 0.00042.
gnomAD v4.1: 320 of 1,607,734 alleles (0.02%); highest among the groups gnomAD compares: South Asian, 0.068%; 3 homozygotes.

Submissions (2):

Department of Pathology and Laboratory Medicine, Sinai Health System
Classification: Uncertain significance. Review status: no assertion criteria provided. Collection method: clinical testing. Allele origin: unknown. Affected: yes. Study: The Canadian Open Genetics Repository (COGR).
Comment: The PMS1 p.Asp167Gly variant was not identified in the literature nor was it identified in ClinVar. The variant was identified in dbSNP (ID: rs200244068) and in control databases in 134 of 266706 chromosomes (1 homozygous) at a frequency of 0.0005024 increasing the likelihood this could be a low frequency benign variant (Genome Aggregation Database March 6, 2019, v2.1.1). The variant was observed in the following populations: European (Finnish) in 97 of 25048 chromosomes (freq: 0.003873), South Asian in 21 of 30364 chromosomes (freq: 0.000692), Other in 2 of 6660 chromosomes (freq: 0.0003), European (non-Finnish) in 13 of 117228 chromosomes (freq: 0.000111) and African in 1 of 23510 chromosomes (freq: 0.000043), but was not observed in the Latino, Ashkenazi Jewish, or East Asian populations. The p.Asp167 residue is not conserved in mammals and three of four computational analyses (PolyPhen-2, SIFT, AlignGVGD, BLOSUM) suggest that the variant may impact the protein. The variant occurs outside of the splicing consensus sequence and 2 of 4 in silico or computational prediction software programs (SpliceSiteFinder, MaxEntScan, NNSPLICE, GeneSplicer) predict a greater than 10% difference in splicing; this is not very predictive of pathogenicity. In summary, based on the above information the clinical significance of this variant cannot be determined with certainty at this time. This variant is classified as a variant of uncertain significance.

Dr. Peter K. Rogan Lab, Western University
No classification provided (evidence only). Condition: Cervical cancer. Review status: no classification provided. Collection method: in vitro. Allele origin: not applicable. Functional consequence: retained intron. Not counted in ClinVar's aggregate classification.